The following is an entry in ClinVar:

ClinVar aggregate classification (germline): Uncertain significance. Review status: criteria provided, multiple submitters, no conflicts (2 of 4 stars). 2 submissions from 2 submitters: Uncertain significance (2). Last evaluated 2026-08-31.

Conditions:
Familial meningioma. Also called: Meningioma, familial, susceptibility to. Identifiers: Orphanet 263662, MedGen C3551915, MONDO:0011789, OMIM 607174.
Hereditary cancer-predisposing syndrome. Also called: Tumor predisposition; Hereditary neoplastic syndrome; Hereditary Cancer Syndrome; Neoplastic Syndromes, Hereditary. Identifiers: Orphanet 140162, MedGen C0027672, MeSH D009386, MONDO:0015356.

Submissions (2):

Ambry Genetics
Classification: Uncertain significance for Hereditary cancer-predisposing syndrome. Last evaluated: 2026-08-31. Review status: criteria provided, single submitter. Criteria: Ambry Variant Classification Scheme 2023. Collection method: clinical testing. Allele origin: germline.
Comment: The p.A394P variant (also known as c.1180G>C), located in coding exon 10 of the SMARCE1 gene, results from a G to C substitution at nucleotide position 1180. The alanine at codon 394 is replaced by proline, an amino acid with highly similar properties. This amino acid position is conserved. In addition, this alteration is predicted to be tolerated by in silico analysis. Based on the available evidence, the clinical significance of this variant remains unclear.

Labcorp Genetics (formerly Invitae), Labcorp
Classification: Uncertain significance for Familial meningioma. Last evaluated: 2024-10-10. Review status: criteria provided, single submitter. Criteria: Invitae Variant Classification Sherloc (09022015). Collection method: clinical testing. Allele origin: germline.
Comment: This sequence change replaces alanine, which is neutral and non-polar, with proline, which is neutral and non-polar, at codon 394 of the SMARCE1 protein (p.Ala394Pro). This variant is not present in population databases (gnomAD no frequency). This variant has not been reported in the literature in individuals affected with SMARCE1-related conditions. An algorithm developed to predict the effect of missense changes on protein structure and function (PolyPhen-2) suggests that this variant is likely to be tolerated. In summary, the available evidence is currently insufficient to determine the role of this variant in disease. Therefore, it has been classified as a Variant of Uncertain Significance.

NM_003079.5(SMARCE1):c.1180G>C (p.Ala394Pro)

Gene: SMARCE1 (SWI/SNF related BAF chromatin remodeling complex subunit E1; minus strand). Cytogenetic location: 17q21.2.
Variant type: single nucleotide variant.
Coding change: c.1180G>C on transcript NM_003079.5 (MANE Select); coding-DNA position 1180, G replaced by C.
Protein change: p.Ala394Pro; replaces alanine 394 with proline.
Molecular consequence: missense variant.
Genome position (GRCh38, 1-based): chr17:40,628,841, C>G on the plus strand (G>C on the coding strand, the complement: SMARCE1 is on the minus strand). VCF-style: chr17-40628841-C-G. GRCh37 (hg19) VCF-style: chr17-38785093-C-G.
Other names: short protein forms A394P.
Identifiers: ClinVar variation 3722601 (VCV003722601.3).